The following is an entry in ClinVar:

NM_001012720.2(RGR):c.785_786dup (p.Ile263fs)

Gene: RGR (retinal G protein coupled receptor; plus strand). Cytogenetic location: 10q23.1.
Variant type: Duplication.
Coding change: c.785_786dup on transcript NM_001012720.2 (MANE Select); coding-DNA positions 785 to 786, 2 bases duplicated (CC; older notation c.785_786dupCC).
Protein change: p.Ile263fs; shifts the reading frame from isoleucine 263.
Molecular consequence: frameshift variant.
Genome position (GRCh38, 1-based): chr10:84,258,548-84,258,549, CC duplicated. VCF-style (leftmost placement, unchanged base first): chr10-84258547-G-GCC. GRCh37 (hg19) VCF-style: chr10-86018303-G-GCC.
Other names: c.671_672dup, p.Ile225fs (NM_001012722.2); c.797_798dup, p.Ile267fs (NM_002921.4); short protein forms I225fs, I263fs, I267fs.
Identifiers: ClinVar variation 1009055 (VCV001009055.7), dbSNP rs770085833, ClinGen allele CA5581590.

ClinVar aggregate classification (germline): Uncertain significance. Review status: criteria provided, multiple submitters, no conflicts (2 of 4 stars). 2 submissions from 2 submitters: Uncertain significance (2). Last evaluated 2023-11-21.

Allele frequency attached by ClinVar (database versions not stated): gnomAD exomes 0.00001 and 0.00002; ExAC 0.00002; TOPMed 0.00004; ESP Exome Variant Server 0.00008; gnomAD 0.00008 and 0.00009.

Submissions (2):

Blueprint Genetics
Classification: Uncertain significance. Last evaluated: 2023-11-21. Review status: criteria provided, single submitter. Criteria: ACMG Guidelines, 2015. Collection method: clinical testing. Allele origin: germline.

Labcorp Genetics (formerly Invitae), Labcorp
Classification: Uncertain significance. Last evaluated: 2023-08-04. Review status: criteria provided, single submitter. Criteria: Invitae Variant Classification Sherloc (09022015). Collection method: clinical testing. Allele origin: germline.
Comment: In summary, the available evidence is currently insufficient to determine the role of this variant in disease. Therefore, it has been classified as a Variant of Uncertain Significance. ClinVar contains an entry for this variant (Variation ID: 1009055). This variant has not been reported in the literature in individuals affected with RGR-related conditions. This variant is present in population databases (rs770085833, gnomAD 0.03%). This sequence change results in a frameshift in the RGR gene (p.Ile263Profs*37). While this is not anticipated to result in nonsense mediated decay, it is expected to disrupt the last 29 amino acid(s) of the RGR protein and extend the protein by 7 additional amino acid residues.